The following is an entry in ClinVar:

ClinVar aggregate classification (germline): Benign/Likely benign. Review status: criteria provided, multiple submitters, no conflicts (2 of 4 stars). 3 submissions from 3 submitters: Benign (2); Likely benign (1). Last evaluated 2026-02-02.

Conditions:
MCM3AP-related disorder. Also called: MCM3AP-related condition.

Allele frequency attached by ClinVar (database versions not stated): gnomAD exomes 0.00088 and 0.00231; ExAC 0.00286; 1000 Genomes Project 0.00859; gnomAD 0.00885 and 0.00965; 1000 Genomes Project 30x 0.00890; TOPMed 0.00947; ESP Exome Variant Server 0.00969.

Submissions (3):

Labcorp Genetics (formerly Invitae), Labcorp
Classification: Benign. Last evaluated: 2026-02-02. Review status: criteria provided, single submitter. Criteria: Invitae Variant Classification Sherloc (09022015). Collection method: clinical testing. Allele origin: germline.

PreventionGenetics, part of Exact Sciences
Classification: Likely benign for MCM3AP-related condition. Last evaluated: 2025-07-26. Review status: criteria provided, single submitter. Criteria: ACMG Guidelines, 2015. Collection method: clinical testing. Allele origin: germline.
Comment: This variant is classified as likely benign based on ACMG/AMP sequence variant interpretation guidelines (Richards et al. 2015 PMID: 25741868, with internal and published modifications).

Mayo Clinic Laboratories, Mayo Clinic
Classification: Benign. Last evaluated: 2024-07-02. Review status: criteria provided, single submitter. Criteria: ACMG Guidelines, 2015. Collection method: clinical testing. Allele origin: germline. Observed: 2 variant alleles.
Comment: BA1, BP4

NM_003906.5(MCM3AP):c.4726G>A (p.Val1576Ile)

Genes: MCM3AP (minichromosome maintenance complex component 3 associated protein; minus strand), MCM3AP-AS1 (MCM3AP antisense RNA 1; plus strand). Cytogenetic location: 21q22.3.
Variant type: single nucleotide variant.
Coding change: c.4726G>A on transcript NM_003906.5 (MANE Select); coding-DNA position 4726, G replaced by A.
Protein change: p.Val1576Ile; replaces valine 1576 with isoleucine.
Molecular consequence: missense variant.
Genome position (GRCh38, 1-based): chr21:46,245,119, C>T on the plus strand (G>A on the coding strand, the complement: MCM3AP is on the minus strand). VCF-style: chr21-46245119-C-T. GRCh37 (hg19) VCF-style: chr21-47665033-C-T.
Other names: p.Val1576Ile; c.4726G>A (NM_003906.4); short protein forms V1576I.
Identifiers: ClinVar variation 1599002 (VCV001599002.10), dbSNP rs17183248, ClinGen allele CA10076029.